The following is an entry in ClinVar:

NM_001040142.2(SCN2A):c.1384-4C>G

Gene: SCN2A (sodium voltage-gated channel alpha subunit 2; plus strand). Cytogenetic location: 2q24.3.
Variant type: single nucleotide variant.
Coding change: c.1384-4C>G on transcript NM_001040142.2 (MANE Select); 4 bases into the intron before coding-DNA position 1384, C replaced by G.
Molecular consequence: intron variant.
Genome position (GRCh38, 1-based): chr2:165,315,467, C>G. VCF-style: chr2-165315467-C-G. GRCh37 (hg19) VCF-style: chr2-166171977-C-G.
Other names: c.1384-4C>G (NM_001040143.2, NM_001371246.1, NM_001371247.1 and 1 more transcripts).
Identifiers: ClinVar variation 378525 (VCV000378525.17), dbSNP rs113191507, ClinGen allele CA1939814.

ClinVar aggregate classification (germline): Likely benign. Review status: criteria provided, multiple submitters, no conflicts (2 of 4 stars). 5 submissions from 5 submitters: Likely benign (5). Last evaluated 2025-11-06.

Conditions:
Inborn genetic diseases. Identifiers: MedGen C0950123, MeSH D030342.
Developmental and epileptic encephalopathy, 11 (DEE11). Also called: Early infantile epileptic encephalopathy 11. Identifiers: Orphanet 1934, MedGen C3150987, MONDO:0013388, OMIM 613721.
Seizures, benign familial infantile, 3 (BFIS3). Also called: CONVULSIONS, BENIGN FAMILIAL INFANTILE, 3; Familial neonatal seizures. Identifiers: Orphanet 140927, Orphanet 306, MedGen C1843140, MONDO:0011904, OMIM 607745.

Allele frequency attached by ClinVar (database versions not stated): ExAC 0.00002; gnomAD exomes 0.00002; TOPMed 0.00005; ESP Exome Variant Server 0.00008; gnomAD 0.00008 and 0.00009.
gnomAD v4.1: 71 of 1,613,752 alleles (0.0044%); highest among the groups gnomAD compares: African/African-American, 0.053%; no homozygotes.

Submissions (5):

Labcorp Genetics (formerly Invitae), Labcorp
Classification: Likely benign for Seizures, benign familial infantile, 3; Developmental and epileptic encephalopathy, 11. Last evaluated: 2025-11-06. Review status: criteria provided, single submitter. Criteria: Invitae Variant Classification Sherloc (09022015). Collection method: clinical testing. Allele origin: germline.

Ambry Genetics
Classification: Likely benign for Inborn genetic diseases. Last evaluated: 2025-03-24. Review status: criteria provided, single submitter. Criteria: Ambry Variant Classification Scheme 2023. Collection method: clinical testing. Allele origin: germline.

Blueprint Genetics
Classification: Likely benign. Last evaluated: 2024-07-22. Review status: criteria provided, single submitter. Criteria: ACMG Guidelines, 2015. Collection method: clinical testing. Allele origin: germline.

GeneDx
Classification: Likely benign. Last evaluated: 2018-01-17. Review status: criteria provided, single submitter. Criteria: GeneDx Variant Classification (06012015). Collection method: clinical testing. Allele origin: germline. Affected: yes.
Comment: This variant is considered likely benign or benign based on one or more of the following criteria: it is a conservative change, it occurs at a poorly conserved position in the protein, it is predicted to be benign by multiple in silico algorithms, and/or has population frequency not consistent with disease.

Breakthrough Genomics
Classification: Likely benign. Review status: criteria provided, single submitter. Criteria: ACMG Guidelines, 2015. Collection method: not provided. Allele origin: germline. Inheritance: Autosomal dominant inheritance. Affected: yes.